The following is an entry in ClinVar:

NM_022552.5(DNMT3A):c.640-1476dup

Gene: DNMT3A (DNA methyltransferase 3 alpha; minus strand). Cytogenetic location: 2p23.3.
Variant type: Duplication.
Coding change: c.640-1476dup on transcript NM_022552.5 (MANE Select); 1476 bases into the intron before coding-DNA position 640, one base duplicated (G; older notation c.640-1476dupG).
Molecular consequence: intron variant.
Genome position (GRCh38, 1-based): chr2:25,249,728, C duplicated on the plus strand (G on the coding strand, the reverse complement: DNMT3A is on the minus strand). VCF-style (leftmost placement, unchanged base first): chr2-25249727-A-AC. GRCh37 (hg19) VCF-style: chr2-25472596-A-AC.
Other names: c.640-1476dup (NM_175629.2); c.5-4dup (NM_153759.3); c.184-1476dup (NM_001320893.1); c.-30-1476dup (NM_001375819.1).
Identifiers: ClinVar variation 5006262 (VCV005006262.2).

ClinVar aggregate classification (germline): Uncertain significance (1 of 4 stars; one submission).

Conditions:
Heyn-Sproul-Jackson syndrome. Also called: MICROCEPHALY, SHORT STATURE, AND IMPAIRED INTELLECTUAL DEVELOPMENT. Identifiers: Orphanet 658595, MedGen C5231475, MONDO:0032882, OMIM 618724.
Acute myeloid leukemia (AML). Also called: Acute myeloid leukemia, adult; AML adult; Acute non-lymphocytic leukemia; Acute granulocytic leukemia; Leukemia, acute myeloid, somatic; Leukemia, acute myelogenous, somatic. Identifiers: Orphanet 519, MedGen C0023467, MeSH D015470, MONDO:0018874, OMIM 601626, HP:0004808. Disease mechanism: Constitutively activated FLT3.
Tatton-Brown-Rahman overgrowth syndrome. Also called: Tall stature-intellectual disability-facial dysmorphism syndrome; Tatton-Brown-Rahman syndrome. Identifiers: Orphanet 404443, MedGen C4014545, MONDO:0014382, OMIM 615879.

Submission:

Juno Genomics, Hangzhou Juno Genomics, Inc
Classification: Uncertain significance for Acute myeloid leukemia; Heyn-Sproul-Jackson syndrome; Tatton-Brown-Rahman overgrowth syndrome. Review status: criteria provided, single submitter. Criteria: ACMG Guidelines, 2015. Collection method: clinical testing. Allele origin: germline.
Comment: Absent from controls (or at extremely low frequency if recessive) in Genome Aggregation Database.;Multiple lines of computational evidence support a deleterious effect on the gene or gene product.